The following is an entry in ClinVar:

ClinVar aggregate classification (germline): Uncertain significance. Review status: criteria provided, multiple submitters, no conflicts (2 of 4 stars). 3 submissions from 3 submitters: Uncertain significance (3). Last evaluated 2024-10-11.

Conditions:
Inborn genetic diseases. Identifiers: MedGen C0950123, MeSH D030342.

Allele frequency attached by ClinVar (database versions not stated): ExAC 0.00002; gnomAD 0.00003; TOPMed 0.00003; gnomAD exomes 0.00005; ESP Exome Variant Server 0.00015.
gnomAD v4.1: 72 of 1,613,666 alleles (0.0045%); highest among the groups gnomAD compares: Non-Finnish European, 0.0058%; no homozygotes.

Submissions (3):

Blueprint Genetics
Classification: Uncertain significance. Last evaluated: 2024-10-11. Review status: criteria provided, single submitter. Criteria: ACMG Guidelines, 2015. Collection method: clinical testing. Allele origin: germline.

Labcorp Genetics (formerly Invitae), Labcorp
Classification: Uncertain significance. Last evaluated: 2022-06-26. Review status: criteria provided, single submitter. Criteria: Invitae Variant Classification Sherloc (09022015). Collection method: clinical testing. Allele origin: germline.
Comment: In summary, the available evidence is currently insufficient to determine the role of this variant in disease. Therefore, it has been classified as a Variant of Uncertain Significance. Algorithms developed to predict the effect of missense changes on protein structure and function are either unavailable or do not agree on the potential impact of this missense change (SIFT: "Not Available"; PolyPhen-2: "Probably Damaging"; Align-GVGD: "Not Available"). This variant has not been reported in the literature in individuals affected with NUP107-related conditions. This variant is present in population databases (rs375755220, gnomAD 0.009%). This sequence change replaces phenylalanine, which is neutral and non-polar, with leucine, which is neutral and non-polar, at codon 493 of the NUP107 protein (p.Phe493Leu).

Ambry Genetics
Classification: Uncertain significance for Inborn genetic diseases. Last evaluated: 2021-06-29. Review status: criteria provided, single submitter. Criteria: Ambry Variant Classification Scheme 2023. Collection method: clinical testing. Allele origin: germline.

NM_020401.4(NUP107):c.1479T>G (p.Phe493Leu)

Gene: NUP107 (nucleoporin 107; plus strand). Cytogenetic location: 12q15.
Variant type: single nucleotide variant.
Coding change: c.1479T>G on transcript NM_020401.4 (MANE Select); coding-DNA position 1479, T replaced by G.
Protein change: p.Phe493Leu; replaces phenylalanine 493 with leucine.
Molecular consequence: missense variant.
Genome position (GRCh38, 1-based): chr12:68,722,125, T>G. VCF-style: chr12-68722125-T-G. GRCh37 (hg19) VCF-style: chr12-69115905-T-G.
Other names: c.1392T>G, p.Phe464Leu (NM_001330192.2); c.1479T>G (NM_020401.2); short protein forms F464L, F493L.
Identifiers: ClinVar variation 2419358 (VCV002419358.8), dbSNP rs375755220, ClinGen allele CA6677783.
Genomic context (GRCh38, chr12:68,722,125, plus strand): 5'-ATTATTAACATTATTCTTTTCCCGTTGTTTCTTTTGAAGCTGGACGTTAGAAAAGGTTTT[T>G]GAGGAACTTCAAGCTACTGACAAAAAGGTAAATGTTAATAGGAATATGTTAGGTATCTGG-3'
Protein context (NP_065134.1, residues 483-503): LGANWTLEKV[Phe493Leu]EELQATDKKR